The following is an entry in ClinVar:

ClinVar aggregate classification (germline): Uncertain significance (1 of 4 stars; one submission).

Conditions:
ARID1B-Related Disorder. Identifiers: MedGen CN381337.

Submission:

PreventionGenetics, part of Exact Sciences
Classification: Uncertain significance for ARID1B-related condition. Last evaluated: 2022-10-18. Review status: criteria provided, single submitter. Criteria: ACMG Guidelines, 2015. Collection method: clinical testing. Allele origin: germline.
Comment: The ARID1B c.239C>A variant is predicted to result in the amino acid substitution p.Pro80His. To our knowledge, this variant has not been reported in the literature or in a large population database, indicating this variant is rare. At this time, the clinical significance of this variant is uncertain due to the absence of conclusive functional and genetic evidence.

NM_001374828.1(ARID1B):c.488C>A (p.Pro163His)

Genes: ARID1B (AT-rich interaction domain 1B; plus strand), LOC115308161 (uncharacterized LOC115308161; minus strand). Cytogenetic location: 6q25.3.
Variant type: single nucleotide variant.
Coding change: c.488C>A on transcript NM_001374828.1 (MANE Select); coding-DNA position 488, C replaced by A.
Protein change: p.Pro163His; replaces proline 163 with histidine.
Molecular consequence: missense variant.
Genome position (GRCh38, 1-based): chr6:156,778,168, C>A. VCF-style: chr6-156778168-C-A. GRCh37 (hg19) VCF-style: chr6-157099302-C-A.
Other names: c.239C>A, p.Pro80His (NM_001346813.1, NM_020732.3); c.488C>A, p.Pro163His (NM_001371656.1, NM_001374820.1, NM_017519.3); c.65C>A, p.Pro22His (NM_175863.2); short protein forms P163H, P22H, P80H.
Identifiers: ClinVar variation 2636969 (VCV002636969.1), dbSNP rs1464701996, ClinGen allele CA366381411.